The following is an entry in ClinVar:

ClinVar aggregate classification (germline): Benign. Review status: criteria provided, multiple submitters, no conflicts (2 of 4 stars). 2 submissions from 2 submitters: Benign (2). Last evaluated 2018-06-14.

Allele frequency attached by ClinVar (database versions not stated): gnomAD exomes 0.25408; gnomAD 0.31946 and 0.32363; TOPMed 0.33367; 1000 Genomes Project 0.34225; 1000 Genomes Project 30x 0.34838.
gnomAD v4.1: 238,796 of 897,482 alleles (27%); highest among the groups gnomAD compares: African/African-American, 50%; 34,368 homozygotes.

Submissions (10):

GeneDx
Classification: Benign. Last evaluated: 2018-06-14. Review status: criteria provided, single submitter. Criteria: GeneDx Variant Classification (06012015). Collection method: clinical testing. Allele origin: germline. Affected: yes.
Comment: This variant is considered likely benign or benign based on one or more of the following criteria: it is a conservative change, it occurs at a poorly conserved position in the protein, it is predicted to be benign by multiple in silico algorithms, and/or has population frequency not consistent with disease.

Breakthrough Genomics
Classification: Benign. Review status: criteria provided, single submitter. Criteria: ACMG Guidelines, 2015. Collection method: not provided. Allele origin: germline. Inheritance: Autosomal recessive inheritance. Affected: yes.

Dr. Peter K. Rogan Lab, Western University
No classification provided (evidence only). Condition: Familial cancer of breast. Review status: no classification provided. Collection method: in vitro. Allele origin: not applicable. Functional consequence: retained intron. Not counted in ClinVar's aggregate classification.

Dr. Peter K. Rogan Lab, Western University
No classification provided (evidence only). Condition: Malignant lymphoma, large B-cell, diffuse. Review status: no classification provided. Collection method: in vitro. Allele origin: not applicable. Functional consequence: retained intron. Not counted in ClinVar's aggregate classification.

Dr. Peter K. Rogan Lab, Western University
No classification provided (evidence only). Condition: Malignant lymphoma, large B-cell, diffuse. Review status: no classification provided. Collection method: in vitro. Allele origin: not applicable. Functional consequence: retained intron. Not counted in ClinVar's aggregate classification.

Dr. Peter K. Rogan Lab, Western University
No classification provided (evidence only). Condition: Malignant lymphoma, large B-cell, diffuse. Review status: no classification provided. Collection method: in vitro. Allele origin: not applicable. Functional consequence: retained intron. Not counted in ClinVar's aggregate classification.

Dr. Peter K. Rogan Lab, Western University
No classification provided (evidence only). Condition: Malignant lymphoma, large B-cell, diffuse. Review status: no classification provided. Collection method: in vitro. Allele origin: not applicable. Functional consequence: retained intron. Not counted in ClinVar's aggregate classification.

Dr. Peter K. Rogan Lab, Western University
No classification provided (evidence only). Condition: Malignant lymphoma, large B-cell, diffuse. Review status: no classification provided. Collection method: in vitro. Allele origin: not applicable. Functional consequence: retained intron. Not counted in ClinVar's aggregate classification.

Dr. Peter K. Rogan Lab, Western University
No classification provided (evidence only). Condition: Malignant lymphoma, large B-cell, diffuse. Review status: no classification provided. Collection method: in vitro. Allele origin: not applicable. Functional consequence: retained intron. Not counted in ClinVar's aggregate classification.

Dr. Peter K. Rogan Lab, Western University
No classification provided (evidence only). Condition: Hepatocellular carcinoma. Review status: no classification provided. Collection method: in vitro. Allele origin: not applicable. Functional consequence: retained intron. Not counted in ClinVar's aggregate classification.

NM_018122.5(DARS2):c.1675-112T>G

Gene: DARS2 (aspartyl-tRNA synthetase 2, mitochondrial; plus strand). Cytogenetic location: 1q25.1.
Variant type: single nucleotide variant.
Coding change: c.1675-112T>G on transcript NM_018122.5 (MANE Select); 112 bases into the intron before coding-DNA position 1675, T replaced by G.
Molecular consequence: intron variant.
Genome position (GRCh38, 1-based): chr1:173,856,554, T>G. VCF-style: chr1-173856554-T-G. GRCh37 (hg19) VCF-style: chr1-173825692-T-G.
Other names: NC_000001.10:g.173825692T>G; c.1522-112T>G (NM_001365212.1).
Identifiers: ClinVar variation 676207 (VCV000676207.3), dbSNP rs2295366, ClinGen allele CA15078961.